The following is an entry in ClinVar:

NM_001130021.3(ATP6V0A1):c.559C>T (p.Leu187Phe)

Gene: ATP6V0A1 (ATPase H+ transporting V0 subunit a1; plus strand). Cytogenetic location: 17q21.2.
Variant type: single nucleotide variant.
Coding change: c.559C>T on transcript NM_001130021.3 (MANE Select); coding-DNA position 559, C replaced by T.
Protein change: p.Leu187Phe; replaces leucine 187 with phenylalanine.
Molecular consequence: missense variant. On other transcripts: intron variant (2).
Genome position (GRCh38, 1-based): chr17:42,478,515, C>T. VCF-style: chr17-42478515-C-T. GRCh37 (hg19) VCF-style: chr17-40630533-C-T.
Other names: c.580C>T, p.Leu194Phe (NM_001130020.3, NM_001378522.1, NM_001378523.1 and 5 more transcripts); c.559C>T, p.Leu187Phe (NM_001378530.1, NM_001378533.1, NM_001378535.1 and 10 more transcripts); c.424-2152C>T (NM_001378545.1, NM_001378554.1); c.451C>T, p.Leu151Phe (NM_001378536.1, NM_001378550.1, NM_001378556.1); c.430C>T, p.Leu144Phe (NM_001378538.1, NM_001378540.1); c.400C>T, p.Leu134Phe (NM_001378543.1); c.379C>T, p.Leu127Phe (NM_001378549.1); short protein forms L127F, L134F, L144F, L151F, L187F, L194F.
Identifiers: ClinVar variation 5018410 (VCV005018410.1).
Genomic context (GRCh38, chr17:42,478,515, plus strand): 5'-CCCCACAGCTTCGTGGCTGGTGTCATTAACCGGGAGCGCATCCCTACTTTTGAGCGCATG[C>T]TTTGGCGGGTATGCCGGGGAAATGTGTTCCTGCGACAGGCTGAAATCGAGAACCCCCTGG-3'
Protein context (NP_001123493.1, residues 177-197): RERIPTFERM[Leu187Phe]WRVCRGNVFL

ClinVar aggregate classification (germline): Uncertain significance (1 of 4 stars; one submission).

gnomAD v4.1: 2 of 1,611,386 alleles (0.00012%); highest among the groups gnomAD compares: Non-Finnish European, 0.00017%; no homozygotes.

Submission:

GeneDx
Classification: Uncertain significance. Last evaluated: 2026-04-10. Review status: criteria provided, single submitter. Criteria: GeneDx Variant Classification Process June 2021. Collection method: clinical testing. Allele origin: germline.
Comment: Not observed at significant frequency in large population cohorts (gnomAD); In silico analysis supports that this missense variant has a deleterious effect on protein structure/function; Has not been previously published as pathogenic or benign to our knowledge